The following is an entry in ClinVar:

NM_017762.3(MTMR10):c.2055G>T (p.Leu685=)

Genes: FAN1 (FANCD2 and FANCI associated nuclease 1; plus strand), MTMR10 (myotubularin related protein 10; minus strand). Cytogenetic location: 15q13.3.
Variant type: single nucleotide variant.
Coding change: c.2055G>T on transcript NM_017762.3 (MANE Select); coding-DNA position 2055, G replaced by T.
Protein change: p.Leu685=; no amino-acid change (leucine 685 retained).
Molecular consequence: synonymous variant. On other transcripts: 3 prime UTR variant (1).
Genome position (GRCh38, 1-based): chr15:30,941,749, C>A on the plus strand (G>T on the coding strand, the complement: MTMR10 is on the minus strand). VCF-style: chr15-30941749-C-A. GRCh37 (hg19) VCF-style: chr15-31233952-C-A.
Other names: c.*187C>A (NM_014967.5).
Identifiers: ClinVar variation 2645111 (VCV002645111.24), dbSNP rs200207167, ClinGen allele CA7450958.

ClinVar aggregate classification (germline): Likely benign (1 of 4 stars; one submission).

Allele frequency attached by ClinVar (database versions not stated): 1000 Genomes Project 30x 0.00047; ExAC 0.00058; gnomAD 0.00058; 1000 Genomes Project 0.00060; ESP Exome Variant Server 0.00089.
gnomAD v4.1: 1,537 of 1,613,980 alleles (0.095%); highest among the groups gnomAD compares: Non-Finnish European, 0.12%; no homozygotes.

Submission:

CeGaT Center for Human Genetics Tuebingen
Classification: Likely benign. Last evaluated: 2025-01-01. Review status: criteria provided, single submitter. Criteria: CeGaT Center For Human Genetics Tuebingen Variant Classification Criteria Version 2. Collection method: clinical testing. Allele origin: germline. Affected: yes. Observed: 2 variant alleles.
Comment: MTMR10: BP4, BP7